The following is an entry in ClinVar:

NM_000443.4(ABCB4):c.609dup (p.Ala204fs)

Gene: ABCB4 (ATP binding cassette subfamily B member 4; minus strand). Cytogenetic location: 7q21.12.
Variant type: Duplication.
Coding change: c.609dup on transcript NM_000443.4 (MANE Select); coding-DNA position 609, one base duplicated (T; older notation c.609dupT).
Protein change: p.Ala204fs; shifts the reading frame from alanine 204.
Molecular consequence: frameshift variant.
Genome position (GRCh38, 1-based): chr7:87,451,722, A duplicated on the plus strand (T on the coding strand, the reverse complement: ABCB4 is on the minus strand); the first of 6 consecutive A bases (chr7:87,451,722-87,451,727); duplicating any one gives the same sequence. VCF-style (leftmost placement, unchanged base first): chr7-87451721-C-CA. GRCh37 (hg19) VCF-style: chr7-87081037-C-CA.
Other names: c.609dup, p.Ala204fs (NM_018849.3, NM_018850.3); short protein forms A204fs.
Identifiers: ClinVar variation 596911 (VCV000596911.6), dbSNP rs1562988165, ClinGen allele CA913189620.

ClinVar aggregate classification (germline): Pathogenic. Review status: criteria provided, multiple submitters, no conflicts (2 of 4 stars). 2 submissions from 2 submitters: Pathogenic (2). Last evaluated 2026-04-14.

Conditions:
Low phospholipid associated cholelithiasis (GBD1). Also called: Gallstone cholecystitis; Gallbladder disease 1. Identifiers: Orphanet 69663, MedGen C2609268, MONDO:0010939, OMIM 600803.

Submissions (2):

Genomenon, Inc
Classification: Pathogenic for Low phospholipid associated cholelithiasis. Last evaluated: 2026-04-14. Review status: criteria provided, single submitter. Criteria: Genomenon Sequence Variant Interpretation Standards - Updated. Collection method: curation. Allele origin: germline. Affected: yes.
Comment: ABCB4 p.Ala204CysfsTer39 (c.609dup) is a frameshift variant that results in the production of a truncated protein which is predicted to undergo nonsense-mediated mRNA decay. This variant has been observed in at least one proband with an ABCB4-related disorder (PMID:31538484). It is absent or not present at a significant frequency in gnomAD. In conclusion, we classify ABCB4 p.Ala204CysfsTer39 (c.609dup) as a pathogenic variant.

Eurofins Ntd Llc (ga)
Classification: Pathogenic. Last evaluated: 2018-04-20. Review status: criteria provided, single submitter. Criteria: EGL ClinVar v180209 classification definitions. Collection method: clinical testing. Allele origin: germline.

Literature cited by the submitters: PubMed 31538484 (cited by Genomenon, Inc).